The following is an entry in ClinVar:

NM_004006.3(DMD):c.6912G>A (p.Lys2304=)

Gene: DMD (dystrophin; minus strand). Cytogenetic location: Xp21.1.
Variant type: single nucleotide variant.
Coding change: c.6912G>A on transcript NM_004006.3 (MANE Select); coding-DNA position 6912, G replaced by A.
Protein change: p.Lys2304=; no amino-acid change (lysine 2304 retained).
Molecular consequence: synonymous variant. On other transcripts: 5 prime UTR variant (5).
Genome position (GRCh38, 1-based): chrX:31,929,596, C>T on the plus strand (G>A on the coding strand, the complement: DMD is on the minus strand). VCF-style: chrX-31929596-C-T. GRCh37 (hg19) VCF-style: chrX-31947713-C-T.
Other names: c.6888G>A, p.Lys2296= (NM_000109.4); c.6900G>A, p.Lys2300= (NM_004009.3); c.6543G>A, p.Lys2181= (NM_004010.3); c.2889G>A, p.Lys963= (NM_004011.4); c.2880G>A, p.Lys960= (NM_004012.4); c.-469G>A (NM_004013.3, NM_004020.4, NM_004021.3 and 2 more transcripts).
Identifiers: ClinVar variation 4712036 (VCV004712036.1).

ClinVar aggregate classification (germline): Uncertain significance (1 of 4 stars; one submission).

Conditions:
Duchenne muscular dystrophy (DMD). Also called: MUSCULAR DYSTROPHY, PSEUDOHYPERTROPHIC PROGRESSIVE, DUCHENNE TYPE; Duchenne Muscular Dystrophy (DMD). Identifiers: Orphanet 98896, MedGen C0013264, MONDO:0010679, OMIM 310200.

Submission:

Labcorp Genetics (formerly Invitae), Labcorp
Classification: Uncertain significance for Duchenne muscular dystrophy. Last evaluated: 2025-01-30. Review status: criteria provided, single submitter. Criteria: Invitae Variant Classification Sherloc (09022015). Collection method: clinical testing. Allele origin: germline.
Comment: This sequence change affects codon 2304 of the DMD mRNA. It is a 'silent' change, meaning that it does not change the encoded amino acid sequence of the DMD protein. This variant also falls at the last nucleotide of exon 47, which is part of the consensus splice site for this exon. This variant is not present in population databases (gnomAD no frequency). This variant has not been reported in the literature in individuals affected with DMD-related conditions. Variants that disrupt the consensus splice site are a relatively common cause of aberrant splicing (PMID: 17576681, 9536098). Algorithms developed to predict the effect of sequence changes on RNA splicing suggest that this variant may disrupt the consensus splice site. In summary, the available evidence is currently insufficient to determine the role of this variant in disease. Therefore, it has been classified as a Variant of Uncertain Significance.

Literature cited by the submitters: PubMed 17576681; PubMed 9536098.